The following is an entry in ClinVar:

ClinVar aggregate classification (germline): Uncertain significance. Review status: criteria provided, single submitter (1 of 4 stars). 3 submissions from 2 submitters: Uncertain significance (2). 1 of the submissions does not count toward it.

Conditions:
Transitory neonatal diabetes mellitus. Also called: Transient neonatal diabetes mellitus. Identifiers: MedGen C0342273, MONDO:0020525, HP:0008255.
Maturity-onset diabetes of the young (MODY). Also called: Maturity onset diabetes mellitus in young. Identifiers: Orphanet 552, MedGen C0342276, MONDO:0018911, HP:0004904.
Hyperinsulinemic hypoglycemia, familial, 1 (HHF1). Also called: Persistent hyperinsulinemic hypoglycemia of infancy; HYPERINSULINISM, FAMILIAL, WITH PANCREATIC NESIDIOBLASTOSIS; HYPOGLYCEMIA, HYPERINSULINEMIC, OF INFANCY; NESIDIOBLASTOSIS OF PANCREAS; Persistent Hyperinsulinemia Hypoglycemia of Infancy. Identifiers: Orphanet 276575, Orphanet 276598, MedGen C2931832, MONDO:0009734, OMIM 256450.

Submissions (3):

Clinical Genomics, Uppaluri K&H Personalized Medicine Clinic
Classification: Uncertain significance for Maturity-onset diabetes of the young. Review status: criteria provided, single submitter. Criteria: K & H Uppaluri Personalized Medicine Clinic Variant Classification & Assertion Criteria_Updated V.1. Collection method: research. Allele origin: unknown. Inheritance: Somatic mutation.
Comment: Mutations in ABCC8 gene are associated with both neonatal diabetes mellitus as well as MODY. Patients with this mutation may have a better response to sulfonylureas. However, no sufficient evidence is found to ascertain the role of this particular variant ( rs1554916621) in MODY yet.

Clinical Genomics, Uppaluri K&H Personalized Medicine Clinic
Classification: Uncertain significance for Transitory neonatal diabetes mellitus. Review status: criteria provided, single submitter. Criteria: K & H Uppaluri Personalized Medicine Clinic Variant Classification & Assertion Criteria_Updated V.1. Collection method: research. Allele origin: unknown. Inheritance: Somatic mutation.
Comment: Mutations in ABCC8 gene are associated with both neonatal diabetes mellitus as well as MODY. Patients with this mutation may have a better response to sulfonylureas. However, no sufficient evidence is found to ascertain the role of this particular variant (rs1554916621) in neonatal diabetes yet.

Counsyl
Classification: Uncertain significance for Hyperinsulinemic hypoglycemia, familial, 1. Last evaluated: 2017-06-19. Review status: no assertion criteria provided. Collection method: clinical testing. Allele origin: unknown. Not counted in ClinVar's aggregate classification.

Literature cited by the submitters: PubMed 16885549 (cited by Clinical Genomics, Uppaluri K&H Personalized Medicine Clinic); PubMed 21989597 (cited by Clinical Genomics, Uppaluri K&H Personalized Medicine Clinic); PubMed 27538677 (cited by Clinical Genomics, Uppaluri K&H Personalized Medicine Clinic); PubMed 18981553 (cited by Clinical Genomics, Uppaluri K&H Personalized Medicine Clinic); PubMed 32027066 (cited by Clinical Genomics, Uppaluri K&H Personalized Medicine Clinic); PubMed 16613899 (cited by Clinical Genomics, Uppaluri K&H Personalized Medicine Clinic); PubMed 18025408 (cited by Clinical Genomics, Uppaluri K&H Personalized Medicine Clinic); PubMed 32792356 (cited by Clinical Genomics, Uppaluri K&H Personalized Medicine Clinic).

NM_000352.6(ABCC8):c.2454_2456del (p.Asp818_Gln819delinsGlu)

Genes: ABCC8 (ATP binding cassette subfamily C member 8; minus strand), LOC110121471 (VISTA enhancer hs1977; plus strand). Cytogenetic location: 11p15.1.
Variant type: Deletion.
Coding change: c.2454_2456del on transcript NM_000352.6 (MANE Select); coding-DNA positions 2454 to 2456, 3 bases deleted (CCA; older notation c.2454_2456delCCA).
Protein change: p.Asp818_Gln819delinsGlu.
Molecular consequence: inframe indel. On other transcripts: non-coding transcript variant (1).
Genome position (GRCh38, 1-based): chr11:17,413,413-17,413,415, TGG deleted on the plus strand (CCA on the coding strand, the reverse complement: ABCC8 is on the minus strand); deleting any 3 consecutive bases within chr11:17,413,413-17,413,416 gives the same sequence; the c. name uses the placement nearest the transcript's 3' end. VCF-style (leftmost placement, unchanged base first): chr11-17413412-CTGG-C. GRCh37 (hg19) VCF-style: chr11-17434959-CTGG-C.
Other names: c.2457_2459del, p.Asp819_Gln820delinsGlu (NM_001287174.3); c.2520_2522del, p.Asp840_Gln841delinsGlu (NM_001351295.2); c.2454_2456del, p.Asp818_Gln819delinsGlu (NM_001351296.2); c.2451_2453del, p.Asp817_Gln818delinsGlu (NM_001351297.2).
Identifiers: ClinVar variation 552425 (VCV000552425.4), dbSNP rs1554916621, ClinGen allele CA658822181.
Genomic context (GRCh38, chr11:17,413,412, plus strand): 5'-GGGTCCTGGCTTTGAAAAAACCCCTCAGAGGCTGCTACTAACCCGTTCCCCAATCTGGGT[CTGG>C]TCTCCATGGGGCAGGATGTCGATGTCTGGCTGCAGAGAGCAGGCTTCAATGACCATCTTG-3'